The following is an entry in ClinVar:

ClinVar aggregate classification (germline): Likely pathogenic (1 of 4 stars; one submission).

Conditions:
Wilson disease (WND). Also called: Wilson's disease. Identifiers: Orphanet 905, MedGen C0019202, MONDO:0010200, OMIM 277900. Disease mechanism: loss of function.

Submission:

Myriad Genetics, Inc.
Classification: Likely pathogenic for Wilson disease. Last evaluated: 2022-04-23. Review status: criteria provided, single submitter. Criteria: Myriad Women's Health Autosomal Recessive and X-Linked Classification Criteria (2021). Collection method: clinical testing. Allele origin: unknown.
Comment: NM_000053.3(ATP7B):c.3265G>T(G1089*) is expected to be pathogenic in the context of Wilson disease. This variant is predicted to lead to an abnormal or absent protein product due to the creation of a premature termination codon in ATP7B, a gene where loss-of-function variants are known to be pathogenic. Please note: this variant was assessed in the context of healthy population screening.

NM_000053.4(ATP7B):c.3265G>T (p.Gly1089Ter)

Gene: ATP7B (ATPase copper transporting beta; minus strand). Cytogenetic location: 13q14.3.
Variant type: single nucleotide variant.
Coding change: c.3265G>T on transcript NM_000053.4 (MANE Select); coding-DNA position 3265, G replaced by T.
Protein change: p.Gly1089Ter; replaces glycine 1089 with a stop codon.
Molecular consequence: nonsense.
Genome position (GRCh38, 1-based): chr13:51,942,533, C>A on the plus strand (G>T on the coding strand, the complement: ATP7B is on the minus strand). VCF-style: chr13-51942533-C-A. GRCh37 (hg19) VCF-style: chr13-52516669-C-A.
Other names: c.2644G>T, p.Gly882Ter (NM_001005918.3); c.2932G>T, p.Gly978Ter (NM_001243182.2); c.3031G>T, p.Gly1011Ter (NM_001330578.2, NM_001406527.1, NM_001406528.1 and 1 more transcripts); c.3013G>T, p.Gly1005Ter (NM_001330579.2, NM_001406531.1, NM_001406532.1); c.3265G>T, p.Gly1089Ter (NM_001406511.1, NM_001406512.1, NM_001406526.1); c.3259G>T, p.Gly1087Ter (NM_001406513.1); c.3232G>T, p.Gly1078Ter (NM_001406514.1); c.3211G>T, p.Gly1071Ter (NM_001406515.1, NM_001406516.1); and 19 more; short protein forms G1005*, G1009*, G1011*, G1024*, G1028*, G1030*, G1041*, G1044*.
Identifiers: ClinVar variation 1725955 (VCV001725955.2), dbSNP rs1468895797, ClinGen allele CA388028872.